The following is an entry in ClinVar:

NM_022765.4(MICAL1):c.1964G>A (p.Gly655Asp)

Gene: MICAL1 (microtubule associated monooxygenase, calponin and LIM domain containing 1; minus strand). Cytogenetic location: 6q21.
Variant type: single nucleotide variant.
Coding change: c.1964G>A on transcript NM_022765.4 (MANE Select); coding-DNA position 1964, G replaced by A.
Protein change: p.Gly655Asp; replaces glycine 655 with aspartic acid.
Molecular consequence: missense variant.
Genome position (GRCh38, 1-based): chr6:109,447,703, C>T on the plus strand (G>A on the coding strand, the complement: MICAL1 is on the minus strand). VCF-style: chr6-109447703-C-T. GRCh37 (hg19) VCF-style: chr6-109768906-C-T.
Other names: c.1706G>A, p.Gly569Asp (NM_001159291.2); c.2021G>A, p.Gly674Asp (NM_001286613.2); short protein forms G569D, G674D, G655D.
Identifiers: ClinVar variation 2966316 (VCV002966316.3), dbSNP rs2482783072, ClinGen allele CA365226211.

ClinVar aggregate classification (germline): Uncertain significance (1 of 4 stars; one submission).

Submission:

Labcorp Genetics (formerly Invitae), Labcorp
Classification: Uncertain significance. Last evaluated: 2023-05-01. Review status: criteria provided, single submitter. Criteria: Invitae Variant Classification Sherloc (09022015). Collection method: clinical testing. Allele origin: germline.
Comment: This sequence change replaces glycine, which is neutral and non-polar, with aspartic acid, which is acidic and polar, at codon 674 of the MICAL1 protein (p.Gly674Asp). In summary, the available evidence is currently insufficient to determine the role of this variant in disease. Therefore, it has been classified as a Variant of Uncertain Significance. An algorithm developed to predict the effect of missense changes on protein structure and function (PolyPhen-2) suggests that this variant is likely to be tolerated. This variant has not been reported in the literature in individuals affected with MICAL1-related conditions. This variant is not present in population databases (gnomAD no frequency).